The following is an entry in ClinVar:

ClinVar aggregate classification (germline): Uncertain significance (1 of 4 stars; one submission).

Submission:

GeneDx
Classification: Uncertain significance. Last evaluated: 2025-01-19. Review status: criteria provided, single submitter. Criteria: GeneDx Variant Classification Process June 2021. Collection method: clinical testing. Allele origin: germline. Affected: yes.
Comment: Not observed at significant frequency in large population cohorts (gnomAD); In silico analysis supports that this missense variant has a deleterious effect on protein structure/function; Has not been previously published as pathogenic or benign to our knowledge; In silico analysis suggests this variant may impact gene splicing. In the absence of RNA/functional studies, the actual effect of this sequence change is unknown.

NM_001693.4(ATP6V1B2):c.845C>G (p.Ala282Gly)

Gene: ATP6V1B2 (ATPase H+ transporting V1 subunit B2; plus strand). Cytogenetic location: 8p21.3.
Variant type: single nucleotide variant.
Coding change: c.845C>G on transcript NM_001693.4 (MANE Select); coding-DNA position 845, C replaced by G.
Protein change: p.Ala282Gly; replaces alanine 282 with glycine.
Molecular consequence: missense variant.
Genome position (GRCh38, 1-based): chr8:20,212,823, C>G. VCF-style: chr8-20212823-C-G. GRCh37 (hg19) VCF-style: chr8-20070334-C-G.
Other names: short protein forms A282G.
Identifiers: ClinVar variation 4071766 (VCV004071766.1).